The following is an entry in ClinVar:

ClinVar aggregate classification (germline): Uncertain significance (1 of 4 stars; one submission).

Allele frequency attached by ClinVar (database versions not stated): gnomAD exomes 0.00001.
gnomAD v4.1: 5 of 1,612,598 alleles (0.00031%); highest among the groups gnomAD compares: Non-Finnish European, 0.00042%; no homozygotes.

Submission:

GeneDx
Classification: Uncertain significance. Last evaluated: 2025-09-08. Review status: criteria provided, single submitter. Criteria: GeneDx Variant Classification Process June 2021. Collection method: clinical testing. Allele origin: germline.
Comment: Not observed at significant frequency in large population cohorts (gnomAD); In silico analysis supports that this missense variant has a deleterious effect on protein structure/function; Has not been previously published as pathogenic or benign to our knowledge; In silico analysis is inconclusive as to whether the variant alters gene splicing. In the absence of RNA/functional studies, the actual effect of this sequence change is unknown.

NM_001330588.2(TPP2):c.2392C>T (p.Arg798Cys)

Gene: TPP2 (tripeptidyl peptidase 2; plus strand). Cytogenetic location: 13q33.1.
Variant type: single nucleotide variant.
Coding change: c.2392C>T on transcript NM_001330588.2 (MANE Select); coding-DNA position 2392, C replaced by T.
Protein change: p.Arg798Cys; replaces arginine 798 with cysteine.
Molecular consequence: missense variant. On other transcripts: non-coding transcript variant (1).
Genome position (GRCh38, 1-based): chr13:102,645,008, C>T. VCF-style: chr13-102645008-C-T. GRCh37 (hg19) VCF-style: chr13-103297358-C-T.
Other names: c.2392C>T, p.Arg798Cys (NM_001367947.1, NM_003291.4); short protein forms R798C.
Identifiers: ClinVar variation 1804261 (VCV001804261.2), dbSNP rs1356933086, ClinGen allele CA388497574.
Genomic context (GRCh38, chr13:102,645,008, plus strand): 5'-TCCTTGAAATACGAAGATCTGGCTCCCTGCATAACTTTGAAGAACTGGGTCCAAACACTG[C>T]GGTATCATTCAATGTTTTAGGAACTACAGATATTGAATATAGATTGGGGGGATCTCTTAC-3'
Protein context (NP_001317517.1, residues 788-808): ITLKNWVQTL[Arg798Cys]PVSAKTKPLG